The following is an entry in ClinVar:

NM_000540.3(RYR1):c.1598G>T (p.Arg533Leu)

Gene: RYR1 (ryanodine receptor 1; plus strand). Cytogenetic location: 19q13.2.
Variant type: single nucleotide variant.
Coding change: c.1598G>T on transcript NM_000540.3 (MANE Select); coding-DNA position 1598, G replaced by T.
Protein change: p.Arg533Leu; replaces arginine 533 with leucine.
Molecular consequence: missense variant.
Genome position (GRCh38, 1-based): chr19:38,455,472, G>T. VCF-style: chr19-38455472-G-T. GRCh37 (hg19) VCF-style: chr19-38946112-G-T.
Other names: c.1598G>T, p.Arg533Leu (NM_001042723.2); short protein forms R533L.
Identifiers: ClinVar variation 2068396 (VCV002068396.2), dbSNP rs144336148, ClinGen allele CA405689745.

ClinVar aggregate classification (germline): Uncertain significance. Review status: criteria provided, multiple submitters, no conflicts (2 of 4 stars). 2 submissions from 2 submitters: Uncertain significance (2). Last evaluated 2024-03-14.

Conditions:
RYR1-related disorder. Also called: RYR1-related condition; RYR1-related disorders. Identifiers: MedGen CN239331.
Malignant hyperthermia, susceptibility to, 1 (MHS1). Also called: RYR1-Related Malignant Hyperthermia Susceptibility; Malignant hyperthermia suceptibility 1; Anesthesia related hyperthermia; Malignant hyperpyrexia; Fulminating hyperpyrexia; Pharmacogenic myopathy. Identifiers: Orphanet 423, MedGen C2930980, MONDO:0007783, OMIM 145600.

gnomAD v4.1: 1 of 1,614,118 alleles (0.000062%); highest among the groups gnomAD compares: South Asian, 0.0011%; no homozygotes.

Submissions (2):

All of Us Research Program, National Institutes of Health
Classification: Uncertain significance for Malignant hyperthermia, susceptibility to, 1. Last evaluated: 2024-03-14. Review status: criteria provided, single submitter. Criteria: ACMG Guidelines, 2015. Collection method: clinical testing. Allele origin: germline. Inheritance: Autosomal dominant inheritance. Observed: 1 variant allele, 1 heterozygote.
Comment: This missense variant replaces arginine with leucine at codon 533 of the RYR1 protein. Computational prediction suggests that this variant may have deleterious impact on protein structure and function (internally defined REVEL score threshold >= 0.7, PMID: 27666373). To our knowledge, functional studies have not been reported for this variant. This variant has not been reported in individuals affected with RYR1-related disorders in the literature. This variant has not been identified in the general population by the Genome Aggregation Database (gnomAD). A different variant occurring at the same codon, p.Arg533Cys, is known to cause malignant hyperthermia susceptibility (ClinVar variation ID: 133102), indicating that arginine at this position is important for RYR1 function. Although there is a suspicion for a pathogenic role, the available evidence is insufficient to determine the role of this variant in disease conclusively. Therefore, this variant is classified as a Variant of Uncertain Significance for autosomal dominant malignant hyperthermia susceptibility.

This study involves interpretation of variants in research participants for the purpose of population health screening. Participant phenotype was not available at the time of variant classification. Additional details can be found in publication PMID: 35346344, PMCID: PMC8962531

Labcorp Genetics (formerly Invitae), Labcorp
Classification: Uncertain significance for RYR1-related disorder. Last evaluated: 2022-10-01. Review status: criteria provided, single submitter. Criteria: Invitae Variant Classification Sherloc (09022015). Collection method: clinical testing. Allele origin: germline.
Comment: This sequence change replaces arginine, which is basic and polar, with leucine, which is neutral and non-polar, at codon 533 of the RYR1 protein (p.Arg533Leu). This variant is not present in population databases (gnomAD no frequency). This variant has not been reported in the literature in individuals affected with RYR1-related conditions. Advanced modeling of protein sequence and biophysical properties (such as structural, functional, and spatial information, amino acid conservation, physicochemical variation, residue mobility, and thermodynamic stability) performed at Invitae indicates that this missense variant is expected to disrupt RYR1 protein function. This variant disrupts the p.Arg533 amino acid residue in RYR1. Other variant(s) that disrupt this residue have been determined to be pathogenic (PMID: 10484775). This suggests that this residue is clinically significant, and that variants that disrupt this residue are likely to be disease-causing. In summary, the available evidence is currently insufficient to determine the role of this variant in disease. Therefore, it has been classified as a Variant of Uncertain Significance.

Literature cited by the submitters: PubMed 10484775 (cited by Labcorp Genetics (formerly Invitae), Labcorp).